The following is an entry in ClinVar:

NM_024596.5(MCPH1):c.2294C>T (p.Ser765Leu)

Genes: MCPH1 (microcephalin 1; plus strand), MCPH1-AS1 (MCPH1 antisense RNA 1; minus strand). Cytogenetic location: 8p23.1.
Variant type: single nucleotide variant.
Coding change: c.2294C>T on transcript NM_024596.5 (MANE Select); coding-DNA position 2294, C replaced by T.
Protein change: p.Ser765Leu; replaces serine 765 with leucine.
Molecular consequence: missense variant. On other transcripts: non-coding transcript variant (1).
Genome position (GRCh38, 1-based): chr8:6,621,533, C>T. VCF-style: chr8-6621533-C-T. GRCh37 (hg19) VCF-style: chr8-6479054-C-T.
Other names: c.2294C>T, p.Ser765Leu (NM_001410917.1, NM_001322042.2, NM_001363979.1); c.2015C>T, p.Ser672Leu (NM_001363980.2); short protein forms S765L, S672L.
Identifiers: ClinVar variation 2018305 (VCV002018305.2), dbSNP rs200820759, ClinGen allele CA171436616.

ClinVar aggregate classification (germline): Uncertain significance (1 of 4 stars; one submission).

gnomAD v4.1: 1 of 1,614,218 alleles (0.000062%); highest among the groups gnomAD compares: Admixed American, 0.0017%; no homozygotes.

Submission:

Labcorp Genetics (formerly Invitae), Labcorp
Classification: Uncertain significance. Last evaluated: 2025-06-09. Review status: criteria provided, single submitter. Criteria: Invitae Variant Classification Sherloc (09022015). Collection method: clinical testing. Allele origin: germline.
Comment: This sequence change replaces serine, which is neutral and polar, with leucine, which is neutral and non-polar, at codon 765 of the MCPH1 protein (p.Ser765Leu). This variant is present in population databases (no rsID available, gnomAD 0.003%). This variant has not been reported in the literature in individuals affected with MCPH1-related conditions. ClinVar contains an entry for this variant (Variation ID: 2018305). Invitae Evidence Modeling of protein sequence and biophysical properties (such as structural, functional, and spatial information, amino acid conservation, physicochemical variation, residue mobility, and thermodynamic stability) indicates that this missense variant is expected to disrupt MCPH1 protein function with a positive predictive value of 80%. In summary, the available evidence is currently insufficient to determine the role of this variant in disease. Therefore, it has been classified as a Variant of Uncertain Significance.